The following is an entry in ClinVar:

NM_006206.6(PDGFRA):c.202G>C (p.Asp68His)

Gene: PDGFRA (platelet derived growth factor receptor alpha; plus strand). Cytogenetic location: 4q12.
Variant type: single nucleotide variant.
Coding change: c.202G>C on transcript NM_006206.6 (MANE Select); coding-DNA position 202, G replaced by C.
Protein change: p.Asp68His; replaces aspartic acid 68 with histidine.
Molecular consequence: missense variant.
Genome position (GRCh38, 1-based): chr4:54,261,247, G>C. VCF-style: chr4-54261247-G-C. GRCh37 (hg19) VCF-style: chr4-55127414-G-C.
Other names: c.202G>C, p.Asp68His (NM_001347827.2, NM_001347829.2); c.277G>C, p.Asp93His (NM_001347828.2); c.241G>C, p.Asp81His (NM_001347830.2); short protein forms D68H, D81H, D93H.
Identifiers: ClinVar variation 1503793 (VCV001503793.6), dbSNP rs1060501504, ClinGen allele CA356888480.

ClinVar aggregate classification (germline): Uncertain significance (1 of 4 stars; one submission).

Conditions:
Gastrointestinal stromal tumor. Also called: Gastrointestinal stromal tumor, somatic; Gastrointestinal stroma tumor. Identifiers: Orphanet 44890, MedGen C0238198, MeSH D046152, MONDO:0011719, OMIM 606764, HP:0100723.

Submission:

Labcorp Genetics (formerly Invitae), Labcorp
Classification: Uncertain significance for Gastrointestinal stromal tumor. Last evaluated: 2022-07-19. Review status: criteria provided, single submitter. Criteria: Invitae Variant Classification Sherloc (09022015). Collection method: clinical testing. Allele origin: germline.
Comment: In summary, the available evidence is currently insufficient to determine the role of this variant in disease. Therefore, it has been classified as a Variant of Uncertain Significance. Algorithms developed to predict the effect of missense changes on protein structure and function are either unavailable or do not agree on the potential impact of this missense change (SIFT: "Tolerated"; PolyPhen-2: "Possibly Damaging"; Align-GVGD: "Class C0"). ClinVar contains an entry for this variant (Variation ID: 1503793). This variant has not been reported in the literature in individuals affected with PDGFRA-related conditions. This variant is not present in population databases (gnomAD no frequency). This sequence change replaces aspartic acid, which is acidic and polar, with histidine, which is basic and polar, at codon 68 of the PDGFRA protein (p.Asp68His).